The following is an entry in ClinVar:

ClinVar aggregate classification (germline): Uncertain significance (1 of 4 stars; one submission).

Submission:

Labcorp Genetics (formerly Invitae), Labcorp
Classification: Uncertain significance. Last evaluated: 2021-09-24. Review status: criteria provided, single submitter. Criteria: Invitae Variant Classification Sherloc (09022015). Collection method: clinical testing. Allele origin: germline.
Comment: This sequence change replaces isoleucine with valine at codon 1805 of the CPLANE1 protein (p.Ile1805Val). The isoleucine residue is moderately conserved and there is a small physicochemical difference between isoleucine and valine. This variant has not been reported in the literature in individuals affected with CPLANE1-related conditions. This variant is not present in population databases (ExAC no frequency). In summary, the available evidence is currently insufficient to determine the role of this variant in disease. Therefore, it has been classified as a Variant of Uncertain Significance. Advanced modeling of protein sequence and biophysical properties (such as structural, functional, and spatial information, amino acid conservation, physicochemical variation, residue mobility, and thermodynamic stability) performed at Invitae indicates that this missense variant is not expected to disrupt CPLANE1 protein function.

NM_001384732.1(CPLANE1):c.5413A>G (p.Ile1805Val)

Gene: CPLANE1 (ciliogenesis and planar polarity effector complex subunit 1; minus strand). Cytogenetic location: 5p13.2.
Variant type: single nucleotide variant.
Coding change: c.5413A>G on transcript NM_001384732.1 (MANE Select); coding-DNA position 5413, A replaced by G.
Protein change: p.Ile1805Val; replaces isoleucine 1805 with valine.
Molecular consequence: missense variant.
Genome position (GRCh38, 1-based): chr5:37,182,768, T>C on the plus strand (A>G on the coding strand, the complement: CPLANE1 is on the minus strand). VCF-style: chr5-37182768-T-C. GRCh37 (hg19) VCF-style: chr5-37182870-T-C.
Other names: c.5413A>G, p.Ile1805Val (NM_023073.4); short protein forms I1805V.
Identifiers: ClinVar variation 1424154 (VCV001424154.6), dbSNP rs2151143506, ClinGen allele CA359491493.
Genomic context (GRCh38, chr5:37,182,768, plus strand): 5'-AATCTAAAATGAGAATTCTCATTTGTAAGTAATAAACAATTGATATGCTTACCTTAATAA[T>C]GGCATTTTTTGCCTTATATGTAGCAAAATAGGGTTGTTCCAAAAGCCATAATGATGTAAG-3'
Protein context (NP_001371661.1, residues 1795-1815): YFATYKAKNA[Ile1805Val]IKMVENRDTG